The following is an entry in ClinVar:

NM_017780.4(CHD7):c.3130del (p.Val1044fs)

Gene: CHD7 (chromodomain helicase DNA binding protein 7; plus strand). Cytogenetic location: 8q12.2.
Variant type: Deletion.
Coding change: c.3130del on transcript NM_017780.4 (MANE Select); coding-DNA position 3130, one base deleted (G; older notation c.3130delG).
Protein change: p.Val1044fs; shifts the reading frame from valine 1044.
Molecular consequence: frameshift variant. On other transcripts: intron variant (1).
Genome position (GRCh38, 1-based): chr8:60,822,675, G deleted; the last of 2 consecutive G bases (chr8:60,822,674-60,822,675); deleting either gives the same sequence. VCF-style (leftmost placement, unchanged base first): chr8-60822673-TG-T. GRCh37 (hg19) VCF-style: chr8-61735232-TG-T.
Other names: c.1717-39554del (NM_001316690.1); c.3130del (LRG_176t1); short protein forms V1044fs.
Identifiers: ClinVar variation 430304 (VCV000430304.2), dbSNP rs1131691892, ClinGen allele CA645369438.

ClinVar aggregate classification (germline): Pathogenic (1 of 4 stars; one submission).

Submission:

GeneDx
Classification: Pathogenic. Last evaluated: 2017-05-25. Review status: criteria provided, single submitter. Criteria: GeneDx Variant Classification (06012015). Collection method: clinical testing. Allele origin: germline. Affected: yes.
Comment: The c.3130delG pathogenic variant in the CHD7 gene causes a frameshift starting with codon Valine 1044, changes this amino acid to a Leucine residue and creates a premature Stop codon at position 27 of the new reading frame, denoted p.Val1044LeufsX27. This pathogenic variant is predicted to cause loss of normal protein function either through protein truncation or nonsense-mediated mRNA decay. The variant is not observed in large population cohorts (Lek et al., 2016; 1000 Genomes Consortium et al., 2015; Exome Variant Server). Although this pathogenic variant has not been previously reported to our knowledge, we consider it to be pathogenic.